The following is an entry in ClinVar:

NM_001029896.2(WDR45):c.20G>A (p.Arg7Gln)

Genes: WDR45 (WD repeat domain 45; minus strand), LOC126863256 (BRD4-independent group 4 enhancer GRCh37_chrX:48934848-48936047; plus strand). Cytogenetic location: Xp11.23.
Variant type: single nucleotide variant.
Coding change: c.20G>A on transcript NM_001029896.2 (MANE Select); coding-DNA position 20, G replaced by A.
Protein change: p.Arg7Gln; replaces arginine 7 with glutamine.
Molecular consequence: missense variant.
Genome position (GRCh38, 1-based): chrX:49,078,076, C>T on the plus strand (G>A on the coding strand, the complement: WDR45 is on the minus strand). VCF-style: chrX-49078076-C-T. GRCh37 (hg19) VCF-style: chrX-48935735-C-T.
Other names: c.20G>A, p.Arg7Gln (NM_007075.4); short protein forms R7Q.
Identifiers: ClinVar variation 775006 (VCV000775006.49), dbSNP rs782671518, ClinGen allele CA10408646.

ClinVar aggregate classification (germline): Benign/Likely benign. Review status: criteria provided, multiple submitters, no conflicts (2 of 4 stars). 6 submissions from 6 submitters: Benign (1); Likely benign (4). 1 of the submissions does not count toward it. Last evaluated 2025-10-02.

Conditions:
WDR45-related disorder. Also called: WDR45-related condition.
Neurodegeneration with brain iron accumulation 5 (NBIA5). Also called: Beta-propeller protein-associated neurodegeneration; STATIC ENCEPHALOPATHY OF CHILDHOOD WITH NEURODEGENERATION IN ADULTHOOD. Identifiers: Orphanet 329284, MedGen C3550973, MONDO:0010476, OMIM 300894.

Allele frequency attached by ClinVar (database versions not stated): gnomAD 0.00002; ExAC 0.00003; gnomAD exomes 0.00004; TOPMed 0.00004.
gnomAD v4.1: 16 of 1,210,578 alleles (0.0013%); highest among the groups gnomAD compares: Admixed American, 0.0022%; no homozygotes.

Submissions (6):

Labcorp Genetics (formerly Invitae), Labcorp
Classification: Benign for Neurodegeneration with brain iron accumulation 5. Last evaluated: 2025-10-02. Review status: criteria provided, single submitter. Criteria: Invitae Variant Classification Sherloc (09022015). Collection method: clinical testing. Allele origin: germline.

Blueprint Genetics
Classification: Likely benign. Last evaluated: 2024-09-18. Review status: criteria provided, single submitter. Criteria: ACMG Guidelines, 2015. Collection method: clinical testing. Allele origin: germline.

CeGaT Center for Human Genetics Tuebingen
Classification: Likely benign. Last evaluated: 2024-01-01. Review status: criteria provided, single submitter. Criteria: CeGaT Center For Human Genetics Tuebingen Variant Classification Criteria Version 2. Collection method: clinical testing. Allele origin: germline. Affected: yes. Observed: 2 variant alleles.
Comment: WDR45: BS2

Molecular Genetics, Royal Melbourne Hospital
Classification: Likely benign for Neurodegeneration with brain iron accumulation 5. Last evaluated: 2023-05-04. Review status: criteria provided, single submitter. Criteria: ACMG Guidelines, 2015. Collection method: clinical testing. Allele origin: germline. Affected: yes.
Comment: European Non-Finnish population allele frequency is 0.00479% (rs782671518, 8/81888 alleles, 0 homozygotes, 3 hemizygotes in gnomAD v2.1). Multiple lines of computational evidence predict no impact to the protein product of the gene. Based on the classification scheme RMH Modified ACMG/AMP Guidelines v1.2.1, this variant is classified as LIKELY BENIGN. Following criteria are met: BS2, BP4

GeneDx
Classification: Likely benign. Last evaluated: 2021-06-06. Review status: criteria provided, single submitter. Criteria: GeneDx Variant Classification Process June 2021. Collection method: clinical testing. Allele origin: germline. Affected: yes.

PreventionGenetics, part of Exact Sciences
Classification: Likely benign for WDR45-related condition. Last evaluated: 2021-04-08. Review status: no assertion criteria provided. Collection method: clinical testing. Allele origin: germline. Not counted in ClinVar's aggregate classification.
Comment: This variant is classified as likely benign based on ACMG/AMP sequence variant interpretation guidelines (Richards et al. 2015 PMID: 25741868, with internal and published modifications).